The following is an entry in ClinVar:

NM_001876.4(CPT1A):c.119A>G (p.Lys40Arg)

Gene: CPT1A (carnitine palmitoyltransferase 1A; minus strand). Cytogenetic location: 11q13.3.
Variant type: single nucleotide variant.
Coding change: c.119A>G on transcript NM_001876.4 (MANE Select); coding-DNA position 119, A replaced by G.
Protein change: p.Lys40Arg; replaces lysine 40 with arginine.
Molecular consequence: missense variant.
Genome position (GRCh38, 1-based): chr11:68,815,356, T>C on the plus strand (A>G on the coding strand, the complement: CPT1A is on the minus strand). VCF-style: chr11-68815356-T-C. GRCh37 (hg19) VCF-style: chr11-68582824-T-C.
Other names: c.119A>G, p.Lys40Arg (NM_001031847.3); short protein forms K40R.
Identifiers: ClinVar variation 3628713 (VCV003628713.2).

ClinVar aggregate classification (germline): Uncertain significance (1 of 4 stars; one submission).

Conditions:
Carnitine palmitoyl transferase 1A deficiency. Also called: Carnitine palmitoyltransferase 1A deficiency; Carnitine palmitoyltransferase type I deficiency; CPT deficiency, hepatic, type IA; CPT I DEFICIENCY; CPT DEFICIENCY, HEPATIC, TYPE I. Identifiers: Orphanet 156, MedGen C1829703, MONDO:0009705, OMIM 255120.

gnomAD v4.1: 7 of 1,614,054 alleles (0.00043%); highest among the groups gnomAD compares: Non-Finnish European, 0.00059%; no homozygotes.

Submission:

Labcorp Genetics (formerly Invitae), Labcorp
Classification: Uncertain significance for Carnitine palmitoyl transferase 1A deficiency. Last evaluated: 2024-03-05. Review status: criteria provided, single submitter. Criteria: Invitae Variant Classification Sherloc (09022015). Collection method: clinical testing. Allele origin: germline.
Comment: This sequence change replaces lysine, which is basic and polar, with arginine, which is basic and polar, at codon 40 of the CPT1A protein (p.Lys40Arg). This variant is present in population databases (rs772981466, gnomAD 0.0009%). This variant has not been reported in the literature in individuals affected with CPT1A-related conditions. Advanced modeling of protein sequence and biophysical properties (such as structural, functional, and spatial information, amino acid conservation, physicochemical variation, residue mobility, and thermodynamic stability) performed at Invitae indicates that this missense variant is not expected to disrupt CPT1A protein function with a negative predictive value of 95%. In summary, the available evidence is currently insufficient to determine the role of this variant in disease. Therefore, it has been classified as a Variant of Uncertain Significance.